The following is an entry in ClinVar:

NM_032242.4(PLXNA1):c.3469C>T (p.Pro1157Ser)

Gene: PLXNA1 (plexin A1; plus strand). Cytogenetic location: 3q21.3.
Variant type: single nucleotide variant.
Coding change: c.3469C>T on transcript NM_032242.4 (MANE Select); coding-DNA position 3469, C replaced by T.
Protein change: p.Pro1157Ser; replaces proline 1157 with serine.
Molecular consequence: missense variant.
Genome position (GRCh38, 1-based): chr3:127,017,617, C>T. VCF-style: chr3-127017617-C-T. GRCh37 (hg19) VCF-style: chr3-126736460-C-T.
Other names: short protein forms P1157S.
Identifiers: ClinVar variation 2180759 (VCV002180759.4), dbSNP rs1304239176, ClinGen allele CA354392120.

ClinVar aggregate classification (germline): Uncertain significance (1 of 4 stars; one submission).

Allele frequency attached by ClinVar (database versions not stated): gnomAD exomes below 0.00001; TOPMed below 0.00001; gnomAD 0.00001.
gnomAD v4.1: 6 of 1,613,610 alleles (0.00037%); highest among the groups gnomAD compares: African/African-American, 0.0013%; no homozygotes.

Submission:

Labcorp Genetics (formerly Invitae), Labcorp
Classification: Uncertain significance. Last evaluated: 2024-12-16. Review status: criteria provided, single submitter. Criteria: Invitae Variant Classification Sherloc (09022015). Collection method: clinical testing. Allele origin: germline.
Comment: This sequence change replaces proline, which is neutral and non-polar, with serine, which is neutral and polar, at codon 1157 of the PLXNA1 protein (p.Pro1157Ser). This variant is present in population databases (no rsID available, gnomAD 0.0009%). This variant has not been reported in the literature in individuals affected with PLXNA1-related conditions. ClinVar contains an entry for this variant (Variation ID: 2180759). Invitae Evidence Modeling of protein sequence and biophysical properties (such as structural, functional, and spatial information, amino acid conservation, physicochemical variation, residue mobility, and thermodynamic stability) indicates that this missense variant is not expected to disrupt PLXNA1 protein function with a negative predictive value of 80%. In summary, the available evidence is currently insufficient to determine the role of this variant in disease. Therefore, it has been classified as a Variant of Uncertain Significance.